The following is an entry in ClinVar:

NM_016284.5(CNOT1):c.2843C>T (p.Ser948Phe)

Gene: CNOT1 (CCR4-NOT transcription complex subunit 1; minus strand). Cytogenetic location: 16q21.
Variant type: single nucleotide variant.
Coding change: c.2843C>T on transcript NM_016284.5 (MANE Select); coding-DNA position 2843, C replaced by T.
Protein change: p.Ser948Phe; replaces serine 948 with phenylalanine.
Molecular consequence: missense variant. On other transcripts: non-coding transcript variant (1).
Genome position (GRCh38, 1-based): chr16:58,555,299, G>A on the plus strand (C>T on the coding strand, the complement: CNOT1 is on the minus strand). VCF-style: chr16-58555299-G-A. GRCh37 (hg19) VCF-style: chr16-58589203-G-A.
Other names: c.2828C>T, p.Ser943Phe (NM_001265612.2); c.2843C>T, p.Ser948Phe (NM_206999.3); short protein forms S943F, S948F.
Identifiers: ClinVar variation 5037730 (VCV005037730.1).

ClinVar aggregate classification (germline): Uncertain significance (1 of 4 stars; one submission).

Submission:

GeneDx
Classification: Uncertain significance. Last evaluated: 2026-04-14. Review status: criteria provided, single submitter. Criteria: GeneDx Variant Classification Process June 2021. Collection method: clinical testing. Allele origin: germline.
Comment: Not observed at significant frequency in large population cohorts (gnomAD); In silico analysis supports that this missense variant has a deleterious effect on protein structure/function; Has not been previously published as pathogenic or benign to our knowledge